The following is an entry in ClinVar:

ClinVar aggregate classification (germline): Pathogenic (1 of 4 stars; one submission).

Submission:

Labcorp Genetics (formerly Invitae), Labcorp
Classification: Pathogenic. Last evaluated: 2022-05-27. Review status: criteria provided, single submitter. Criteria: Invitae Variant Classification Sherloc (09022015). Collection method: clinical testing. Allele origin: germline.
Comment: For these reasons, this variant has been classified as Pathogenic. This variant has not been reported in the literature in individuals affected with KMT2A-related conditions. This variant is not present in population databases (gnomAD no frequency). This sequence change creates a premature translational stop signal (p.Gly140Argfs*7) in the KMT2A gene. It is expected to result in an absent or disrupted protein product. Loss-of-function variants in KMT2A are known to be pathogenic (PMID: 22795537, 25574841, 25810209, 28120103, 29574747, 31157197, 31337854).

Literature cited by the submitters: PubMed 22795537; PubMed 25574841; PubMed 25810209; PubMed 28120103; PubMed 29574747; PubMed 31157197; PubMed 31337854.

NM_001197104.2(KMT2A):c.416dup (p.Gly140fs)

Gene: KMT2A (lysine methyltransferase 2A; plus strand). Cytogenetic location: 11q23.3.
Variant type: Duplication.
Coding change: c.416dup on transcript NM_001197104.2 (MANE Select); coding-DNA position 416, one base duplicated (G; older notation c.416dupG).
Protein change: p.Gly140fs; shifts the reading frame from glycine 140.
Molecular consequence: frameshift variant.
Genome position (GRCh38, 1-based): chr11:118,436,928, G duplicated; the last of 5 consecutive G bases (chr11:118,436,924-118,436,928); duplicating any one gives the same sequence. VCF-style (leftmost placement, unchanged base first): chr11-118436923-C-CG. GRCh37 (hg19) VCF-style: chr11-118307638-C-CG.
Other names: c.416dup, p.Gly140Argfs (NM_001412597.1); c.416dup, p.Gly140fs (NM_005933.4); short protein forms G140fs.
Identifiers: ClinVar variation 2075567 (VCV002075567.4), dbSNP rs2497104208, ClinGen allele CA2580083584.